The following is an entry in ClinVar:

NM_004408.4(DNM1):c.2043G>A (p.Met681Ile)

Gene: DNM1 (dynamin 1; plus strand). Cytogenetic location: 9q34.11.
Variant type: single nucleotide variant.
Coding change: c.2043G>A on transcript NM_004408.4 (MANE Select); coding-DNA position 2043, G replaced by A.
Protein change: p.Met681Ile; replaces methionine 681 with isoleucine.
Molecular consequence: missense variant.
Genome position (GRCh38, 1-based): chr9:128,248,720, G>A. VCF-style: chr9-128248720-G-A. GRCh37 (hg19) VCF-style: chr9-131010999-G-A.
Other names: c.2043G>A, p.Met681Ile (NM_001005336.3, NM_001288737.2, NM_001288738.2 and 2 more transcripts); short protein forms M681I.
Identifiers: ClinVar variation 2146407 (VCV002146407.4), dbSNP rs2539114360, ClinGen allele CA375000493.

ClinVar aggregate classification (germline): Uncertain significance (1 of 4 stars; one submission).

Conditions:
Developmental and epileptic encephalopathy, 31A. Also called: Epileptic encephalopathy, early infantile, 31; Developmental and epileptic encephalopathy, 31. Identifiers: Orphanet 2382, MedGen C4225357, MONDO:0014598, OMIM 616346.

Submission:

Labcorp Genetics (formerly Invitae), Labcorp
Classification: Uncertain significance for Developmental and epileptic encephalopathy, 31A. Last evaluated: 2025-08-04. Review status: criteria provided, single submitter. Criteria: Invitae Variant Classification Sherloc (09022015). Collection method: clinical testing. Allele origin: germline.
Comment: This sequence change replaces methionine, which is neutral and non-polar, with isoleucine, which is neutral and non-polar, at codon 681 of the DNM1 protein (p.Met681Ile). This variant is not present in population databases (gnomAD no frequency). This variant has not been reported in the literature in individuals affected with DNM1-related conditions. ClinVar contains an entry for this variant (Variation ID: 2146407). Invitae Evidence Modeling of protein sequence and biophysical properties (such as structural, functional, and spatial information, amino acid conservation, physicochemical variation, residue mobility, and thermodynamic stability) indicates that this missense variant is not expected to disrupt DNM1 protein function with a negative predictive value of 80%. In summary, the available evidence is currently insufficient to determine the role of this variant in disease. Therefore, it has been classified as a Variant of Uncertain Significance.